The following is an entry in ClinVar:

ClinVar aggregate classification (germline): Uncertain significance (1 of 4 stars; one submission).

Allele frequency attached by ClinVar (database versions not stated): gnomAD exomes below 0.00001; gnomAD 0.00001; TOPMed 0.00002.
gnomAD v4.1: 4 of 1,435,436 alleles (0.00028%); highest among the groups gnomAD compares: African/African-American, 0.0028%; no homozygotes.

Submission:

Labcorp Genetics (formerly Invitae), Labcorp
Classification: Uncertain significance. Last evaluated: 2022-12-05. Review status: criteria provided, single submitter. Criteria: Invitae Variant Classification Sherloc (09022015). Collection method: clinical testing. Allele origin: germline.
Comment: This variant is not present in population databases (gnomAD no frequency). In summary, the available evidence is currently insufficient to determine the role of this variant in disease. Therefore, it has been classified as a Variant of Uncertain Significance. Variants that disrupt the consensus splice site are a relatively common cause of aberrant splicing (PMID: 17576681, 9536098). Algorithms developed to predict the effect of sequence changes on RNA splicing suggest that this variant may disrupt the consensus splice site. This variant has not been reported in the literature in individuals affected with INTU-related conditions. This sequence change falls in intron 13 of the INTU gene. It does not directly change the encoded amino acid sequence of the INTU protein. It affects a nucleotide within the consensus splice site.

Literature cited by the submitters: PubMed 17576681; PubMed 9536098.

NM_015693.4(INTU):c.2369+4A>G

Genes: INTU (inturned planar cell polarity protein; plus strand), LOC123480930 (P300/CBP strongly-dependent group 1 enhancer GRCh37_chr4:128629462-128630661; plus strand). Cytogenetic location: 4q28.1.
Variant type: single nucleotide variant.
Coding change: c.2369+4A>G on transcript NM_015693.4 (MANE Select); 4 bases into the intron after coding-DNA position 2369, A replaced by G.
Molecular consequence: intron variant.
Genome position (GRCh38, 1-based): chr4:127,708,672, A>G. VCF-style: chr4-127708672-A-G. GRCh37 (hg19) VCF-style: chr4-128629827-A-G.
Identifiers: ClinVar variation 1949849 (VCV001949849.5), dbSNP rs960769401, ClinGen allele CA105641381.
Genomic context (GRCh38, chr4:127,708,672, plus strand): 5'-GGGAAACTTGAAAAAGGACCTTCCAGAAAAAGAATTAGAAATATATAACACAGTGAAGTA[A>G]GAAACTTTCTTATTCTTGTTCACTTAAACTCAGGAAGTTTTACAGTGAGAAAGTACAATT-3'